The following is an entry in ClinVar:

NM_000081.4(LYST):c.10317G>T (p.Leu3439Phe)

Gene: LYST (lysosomal trafficking regulator; minus strand). Cytogenetic location: 1q42.3.
Variant type: single nucleotide variant.
Coding change: c.10317G>T on transcript NM_000081.4 (MANE Select); coding-DNA position 10317, G replaced by T.
Protein change: p.Leu3439Phe; replaces leucine 3439 with phenylalanine.
Molecular consequence: missense variant.
Genome position (GRCh38, 1-based): chr1:235,702,804, C>A on the plus strand (G>T on the coding strand, the complement: LYST is on the minus strand). VCF-style: chr1-235702804-C-A. GRCh37 (hg19) VCF-style: chr1-235866104-C-A.
Other names: c.10317G>T, p.Leu3439Phe (NM_001301365.1); short protein forms L3439F.
Identifiers: ClinVar variation 2103826 (VCV002103826.1), dbSNP rs778605952, ClinGen allele CA1465400.
Genomic context (GRCh38, chr1:235,702,804, plus strand): 5'-TACCGGATAGGTGATTTCTTTGACCTGTTCTCGGGTCTCCCTGAAAGCAAACTGCACTAG[C>A]AACCCCACAGCAGCTGGAAGCTCTCCTTCAATATTGAGCTTGGCTCCAGGTCTGCTCACA-3'
Protein context (NP_000072.2, residues 3429-3449): IEGELPAAVG[Leu3439Phe]LVQFAFRETR

ClinVar aggregate classification (germline): Uncertain significance (1 of 4 stars; one submission).

Conditions:
Chédiak-Higashi syndrome (CHS). Also called: Chediak-Higashi Syndrome. Identifiers: Orphanet 167, MedGen C0007965, MONDO:0008963, OMIM 214500.

Allele frequency attached by ClinVar (database versions not stated): ExAC 0.00001; gnomAD exomes 0.00001.
gnomAD v4.1: 3 of 1,614,202 alleles (0.00019%); highest among the groups gnomAD compares: East Asian, 0.0067%; no homozygotes.

Submission:

Labcorp Genetics (formerly Invitae), Labcorp
Classification: Uncertain significance for Chédiak-Higashi syndrome. Last evaluated: 2022-10-17. Review status: criteria provided, single submitter. Criteria: Invitae Variant Classification Sherloc (09022015). Collection method: clinical testing. Allele origin: germline.
Comment: This sequence change replaces leucine, which is neutral and non-polar, with phenylalanine, which is neutral and non-polar, at codon 3439 of the LYST protein (p.Leu3439Phe). This variant is present in population databases (rs778605952, gnomAD 0.02%). This variant has not been reported in the literature in individuals affected with LYST-related conditions. Algorithms developed to predict the effect of missense changes on protein structure and function are either unavailable or do not agree on the potential impact of this missense change (SIFT: "Tolerated"; PolyPhen-2: "Probably Damaging"; Align-GVGD: "Class C0"). In summary, the available evidence is currently insufficient to determine the role of this variant in disease. Therefore, it has been classified as a Variant of Uncertain Significance.